The following is an entry in ClinVar:

ClinVar aggregate classification (germline): Uncertain significance (1 of 4 stars; one submission).

Conditions:
Hypertrophic cardiomyopathy 13. Also called: TNNC1-Related Familial Hypertrophic Cardiomyopathy. Identifiers: MedGen C2750472, MONDO:0013195, OMIM 613243.
Dilated cardiomyopathy 1Z (CMD1Z). Identifiers: Orphanet 154, MedGen C2678475, MONDO:0012745, OMIM 611879.

Submission:

Labcorp Genetics (formerly Invitae), Labcorp
Classification: Uncertain significance for Hypertrophic cardiomyopathy 13; Dilated cardiomyopathy 1Z. Last evaluated: 2023-07-17. Review status: criteria provided, single submitter. Criteria: Invitae Variant Classification Sherloc (09022015). Collection method: clinical testing. Allele origin: germline.
Comment: This sequence change replaces glycine, which is neutral and non-polar, with cysteine, which is neutral and slightly polar, at codon 146 of the TNNC1 protein (p.Gly146Cys). In summary, the available evidence is currently insufficient to determine the role of this variant in disease. Therefore, it has been classified as a Variant of Uncertain Significance. An algorithm developed to predict the effect of missense changes on protein structure and function (PolyPhen-2) suggests that this variant is likely to be disruptive. ClinVar contains an entry for this variant (Variation ID: 1713433). This variant has not been reported in the literature in individuals affected with TNNC1-related conditions. This variant is not present in population databases (gnomAD no frequency).

NM_003280.3(TNNC1):c.436G>T (p.Gly146Cys)

Gene: TNNC1 (troponin C1, slow skeletal and cardiac type; minus strand). Cytogenetic location: 3p21.1.
Variant type: single nucleotide variant.
Coding change: c.436G>T on transcript NM_003280.3 (MANE Select); coding-DNA position 436, G replaced by T.
Protein change: p.Gly146Cys; replaces glycine 146 with cysteine.
Molecular consequence: missense variant.
Genome position (GRCh38, 1-based): chr3:52,451,409, C>A on the plus strand (G>T on the coding strand, the complement: TNNC1 is on the minus strand). VCF-style: chr3-52451409-C-A. GRCh37 (hg19) VCF-style: chr3-52485425-C-A.
Other names: short protein forms G146C.
Identifiers: ClinVar variation 1713433 (VCV001713433.5), dbSNP rs567327895, ClinGen allele CA353165060.
Genomic context (GRCh38, chr3:52,451,409, plus strand): 5'-GCAGGGCATGGAGGCAGGAGATCAGCCCACCCACCCGCTTACCATCATAGTCGATGCGGC[C>A]GTCGTTGTTCTTGTCTCCGTCCTTCATGAGCTCCTCGATGTCGTCCTCCGTGATGGTCTC-3'
Protein context (NP_003271.1, residues 136-156): LMKDGDKNND[Gly146Cys]RIDYDEFLEF